The following is an entry in ClinVar:

NM_005506.4(SCARB2):c.463A>G (p.Ile155Val)

Gene: SCARB2 (scavenger receptor class B member 2; minus strand). Cytogenetic location: 4q21.1.
Variant type: single nucleotide variant.
Coding change: c.463A>G on transcript NM_005506.4 (MANE Select); coding-DNA position 463, A replaced by G.
Protein change: p.Ile155Val; replaces isoleucine 155 with valine.
Molecular consequence: missense variant. On other transcripts: intron variant (1).
Genome position (GRCh38, 1-based): chr4:76,179,666, T>C on the plus strand (A>G on the coding strand, the complement: SCARB2 is on the minus strand). VCF-style: chr4-76179666-T-C. GRCh37 (hg19) VCF-style: chr4-77100819-T-C.
Other names: c.276-3756A>G (NM_001204255.2); short protein forms I155V.
Identifiers: ClinVar variation 462925 (VCV000462925.8), dbSNP rs772434203, ClinGen allele CA2970327.

ClinVar aggregate classification (germline): Uncertain significance (1 of 4 stars; one submission).

Conditions:
Progressive myoclonic epilepsy. Also called: Progressive myoclonus epilepsy; Familial progressive myoclonic epilepsy; Myoclonic Epilepsies, Progressive; Myoclonus epilepsy. Identifiers: Orphanet 308, Orphanet 98261, MedGen C0751778, MONDO:0020074.

Allele frequency attached by ClinVar (database versions not stated): gnomAD exomes 0.00001 and 0.00003; gnomAD 0.00001; TOPMed 0.00001; ExAC 0.00002.
gnomAD v4.1: 45 of 1,614,008 alleles (0.0028%); highest among the groups gnomAD compares: Non-Finnish European, 0.0036%; no homozygotes.

Submission:

Labcorp Genetics (formerly Invitae), Labcorp
Classification: Uncertain significance for Progressive myoclonic epilepsy. Last evaluated: 2023-11-27. Review status: criteria provided, single submitter. Criteria: Invitae Variant Classification Sherloc (09022015). Collection method: clinical testing. Allele origin: germline.
Comment: This sequence change replaces isoleucine, which is neutral and non-polar, with valine, which is neutral and non-polar, at codon 155 of the SCARB2 protein (p.Ile155Val). This variant is present in population databases (rs772434203, gnomAD 0.004%). This variant has not been reported in the literature in individuals affected with SCARB2-related conditions. ClinVar contains an entry for this variant (Variation ID: 462925). Advanced modeling of protein sequence and biophysical properties (such as structural, functional, and spatial information, amino acid conservation, physicochemical variation, residue mobility, and thermodynamic stability) performed at Invitae indicates that this missense variant is not expected to disrupt SCARB2 protein function with a negative predictive value of 80%. In summary, the available evidence is currently insufficient to determine the role of this variant in disease. Therefore, it has been classified as a Variant of Uncertain Significance.